The following is an entry in ClinVar:

ClinVar aggregate classification (germline): Uncertain significance (1 of 4 stars; one submission).

gnomAD v4.1: 3 of 1,613,618 alleles (0.00019%); highest among the groups gnomAD compares: Non-Finnish European, 0.00025%; no homozygotes.

Submission:

Labcorp Genetics (formerly Invitae), Labcorp
Classification: Uncertain significance. Last evaluated: 2025-04-29. Review status: criteria provided, single submitter. Criteria: Invitae Variant Classification Sherloc (09022015). Collection method: clinical testing. Allele origin: germline.
Comment: This sequence change replaces valine, which is neutral and non-polar, with isoleucine, which is neutral and non-polar, at codon 747 of the DDX58 protein (p.Val747Ile). This variant is present in population databases (rs772925636, gnomAD 0.002%). This variant has not been reported in the literature in individuals affected with DDX58-related conditions. Invitae Evidence Modeling of protein sequence and biophysical properties (such as structural, functional, and spatial information, amino acid conservation, physicochemical variation, residue mobility, and thermodynamic stability) indicates that this missense variant is not expected to disrupt DDX58 protein function with a negative predictive value of 80%. In summary, the available evidence is currently insufficient to determine the role of this variant in disease. Therefore, it has been classified as a Variant of Uncertain Significance.

NM_014314.4(RIGI):c.2239G>A (p.Val747Ile)

Gene: RIGI (RNA sensor RIG-I; minus strand). Cytogenetic location: 9p21.1.
Variant type: single nucleotide variant.
Coding change: c.2239G>A on transcript NM_014314.4 (MANE Select); coding-DNA position 2239, G replaced by A.
Protein change: p.Val747Ile; replaces valine 747 with isoleucine.
Molecular consequence: missense variant.
Genome position (GRCh38, 1-based): chr9:32,466,388, C>T on the plus strand (G>A on the coding strand, the complement: RIGI is on the minus strand). VCF-style: chr9-32466388-C-T. GRCh37 (hg19) VCF-style: chr9-32466386-C-T.
Other names: c.2233G>A, p.Val745Ile (NM_001385907.1); c.2068G>A, p.Val690Ile (NM_001385909.1); c.1798G>A, p.Val600Ile (NM_001385910.1); c.1630G>A, p.Val544Ile (NM_001385912.1); c.2224G>A, p.Val742Ile (NM_001385913.1); c.1795G>A, p.Val599Ile (NM_001385914.1); short protein forms V690I, V745I, V544I, V600I, V742I, V747I, V599I.
Identifiers: ClinVar variation 4764128 (VCV004764128.1).